The following is an entry in ClinVar:

ClinVar aggregate classification (germline): Uncertain significance. Review status: criteria provided, multiple submitters, no conflicts (2 of 4 stars). 2 submissions from 2 submitters: Uncertain significance (2). Last evaluated 2025-04-04.

Conditions:
Medulloblastoma (MDB). Also called: MEDULLOBLASTOMA PREDISPOSITION SYNDROME; Medulloblastoma, somatic. Identifiers: Orphanet 616, MedGen C0025149, MeSH D008527, MONDO:0007959, OMIM 155255, HP:0002885.
Gorlin syndrome. Also called: Nevoid Basal Cell Carcinoma Syndrome; Basal cell nevus syndrome. Identifiers: Orphanet 377, MedGen C0004779, MONDO:0007187.
Hereditary cancer-predisposing syndrome. Also called: Hereditary Cancer Syndrome; Tumor predisposition; Hereditary neoplastic syndrome; Neoplastic Syndromes, Hereditary. Identifiers: Orphanet 140162, MedGen C0027672, MeSH D009386, MONDO:0015356.

gnomAD v4.1: 2 of 1,552,572 alleles (0.00013%); highest among the groups gnomAD compares: Non-Finnish European, 0.00017%; no homozygotes.

Submissions (2):

Ambry Genetics
Classification: Uncertain significance for Hereditary cancer-predisposing syndrome. Last evaluated: 2025-04-04. Review status: criteria provided, single submitter. Criteria: Ambry Variant Classification Scheme 2023. Collection method: clinical testing. Allele origin: germline.
Comment: The p.P31S variant (also known as c.91C>T), located in coding exon 1 of the SUFU gene, results from a C to T substitution at nucleotide position 91. The proline at codon 31 is replaced by serine, an amino acid with similar properties. This amino acid position is conserved. In addition, the in silico prediction for this alteration is inconclusive. Based on the available evidence, the clinical significance of this variant remains unclear.

Labcorp Genetics (formerly Invitae), Labcorp
Classification: Uncertain significance for Gorlin syndrome; Medulloblastoma. Last evaluated: 2024-11-28. Review status: criteria provided, single submitter. Criteria: Invitae Variant Classification Sherloc (09022015). Collection method: clinical testing. Allele origin: germline.
Comment: This sequence change replaces proline, which is neutral and non-polar, with serine, which is neutral and polar, at codon 31 of the SUFU protein (p.Pro31Ser). This variant is not present in population databases (gnomAD no frequency). This variant has not been reported in the literature in individuals affected with SUFU-related conditions. ClinVar contains an entry for this variant (Variation ID: 1051393). Invitae Evidence Modeling of protein sequence and biophysical properties (such as structural, functional, and spatial information, amino acid conservation, physicochemical variation, residue mobility, and thermodynamic stability) has been performed for this missense variant. However, the output from this modeling did not meet the statistical confidence thresholds required to predict the impact of this variant on SUFU protein function. In summary, the available evidence is currently insufficient to determine the role of this variant in disease. Therefore, it has been classified as a Variant of Uncertain Significance.

NM_016169.4(SUFU):c.91C>T (p.Pro31Ser)

Genes: SUFU (SUFU negative regulator of hedgehog signaling; plus strand), LOC130004614 (ATAC-STARR-seq lymphoblastoid silent region 2764; plus strand). Cytogenetic location: 10q24.32.
Variant type: single nucleotide variant.
Coding change: c.91C>T on transcript NM_016169.4 (MANE Select); coding-DNA position 91, C replaced by T.
Protein change: p.Pro31Ser; replaces proline 31 with serine.
Molecular consequence: missense variant.
Genome position (GRCh38, 1-based): chr10:102,504,243, C>T. VCF-style: chr10-102504243-C-T. GRCh37 (hg19) VCF-style: chr10-104264000-C-T.
Other names: c.91C>T (NM_016169.3); c.91C>T, p.Pro31Ser (NM_001178133.2); short protein forms P31S.
Identifiers: ClinVar variation 1051393 (VCV001051393.10), dbSNP rs1554840836, ClinGen allele CA377886430.